The following is an entry in ClinVar:

NM_003000.3(SDHB):c.430A>C (p.Ser144Arg)

Gene: SDHB (succinate dehydrogenase complex iron sulfur subunit B; minus strand). Cytogenetic location: 1p36.13.
Variant type: single nucleotide variant.
Coding change: c.430A>C on transcript NM_003000.3 (MANE Select); coding-DNA position 430, A replaced by C.
Protein change: p.Ser144Arg; replaces serine 144 with arginine.
Molecular consequence: missense variant.
Genome position (GRCh38, 1-based): chr1:17,027,859, T>G on the plus strand (A>C on the coding strand, the complement: SDHB is on the minus strand). VCF-style: chr1-17027859-T-G. GRCh37 (hg19) VCF-style: chr1-17354354-T-G.
Other names: c.376A>C, p.Ser126Arg (NM_001407361.1); short protein forms S144R, S126R.
Identifiers: ClinVar variation 5029256 (VCV005029256.1).

ClinVar aggregate classification (germline): Uncertain significance (1 of 4 stars; one submission).

Conditions:
Hereditary cancer-predisposing syndrome. Also called: Neoplastic Syndromes, Hereditary; Tumor predisposition; Hereditary neoplastic syndrome; Hereditary Cancer Syndrome. Identifiers: Orphanet 140162, MedGen C0027672, MeSH D009386, MONDO:0015356.

Submission:

Ambry Genetics
Classification: Uncertain significance for Hereditary cancer-predisposing syndrome. Last evaluated: 2026-07-15. Review status: criteria provided, single submitter. Criteria: Ambry Variant Classification Scheme 2023. Collection method: clinical testing. Allele origin: germline.
Comment: The p.S144R variant (also known as c.430A>C), located in coding exon 5 of the SDHB gene, results from an A to C substitution at nucleotide position 430. The serine at codon 144 is replaced by arginine, an amino acid with dissimilar properties. This amino acid position is well conserved in available vertebrate species. In addition, this alteration is predicted to be deleterious by in silico analysis. Based on the available evidence, the clinical significance of this variant remains unclear.